The following is an entry in ClinVar:

ClinVar aggregate classification (germline): Uncertain significance (1 of 4 stars; one submission).

gnomAD v4.1: 2 of 1,610,488 alleles (0.00012%); highest among the groups gnomAD compares: East Asian, 0.0022%; no homozygotes.

Submission:

Labcorp Genetics (formerly Invitae), Labcorp
Classification: Uncertain significance. Last evaluated: 2026-02-03. Review status: criteria provided, single submitter. Criteria: Invitae Variant Classification Sherloc (09022015). Collection method: clinical testing. Allele origin: germline.
Comment: This sequence change falls in intron 1 of the CACNA1E gene. It does not directly change the encoded amino acid sequence of the CACNA1E protein. It affects a nucleotide within the consensus splice site. The frequency data for this variant in the population databases is considered unreliable, as metrics indicate poor data quality at this position in the gnomAD database. This variant has not been reported in the literature in individuals affected with CACNA1E-related conditions. Variants that disrupt the consensus splice site are a relatively common cause of aberrant splicing (PMID: 17576681, 9536098). Algorithms developed to predict the effect of sequence changes on RNA splicing suggest that this variant is not likely to affect RNA splicing. In summary, the available evidence is currently insufficient to determine the role of this variant in disease. Therefore, it has been classified as a Variant of Uncertain Significance.

Literature cited by the submitters: PubMed 17576681; PubMed 9536098.

NM_001205293.3(CACNA1E):c.267-3C>T

Gene: CACNA1E (calcium voltage-gated channel subunit alpha1 E; plus strand). Cytogenetic location: 1q25.3.
Variant type: single nucleotide variant.
Coding change: c.267-3C>T on transcript NM_001205293.3 (MANE Select); 3 bases into the intron before coding-DNA position 267, C replaced by T.
Molecular consequence: intron variant.
Genome position (GRCh38, 1-based): chr1:181,510,474, C>T. VCF-style: chr1-181510474-C-T. GRCh37 (hg19) VCF-style: chr1-181479610-C-T.
Other names: c.267-3C>T (NM_000721.4, NM_001205294.2).
Identifiers: ClinVar variation 4690963 (VCV004690963.1).